The following is an entry in ClinVar:

NM_001365480.1(CCDC88A):c.4699C>T (p.Pro1567Ser)

Gene: CCDC88A (coiled-coil domain containing 88A; minus strand). Cytogenetic location: 2p16.1.
Variant type: single nucleotide variant.
Coding change: c.4699C>T on transcript NM_001365480.1 (MANE Select); coding-DNA position 4699, C replaced by T.
Protein change: p.Pro1567Ser; replaces proline 1567 with serine.
Molecular consequence: missense variant.
Genome position (GRCh38, 1-based): chr2:55,301,251, G>A on the plus strand (C>T on the coding strand, the complement: CCDC88A is on the minus strand). VCF-style: chr2-55301251-G-A. GRCh37 (hg19) VCF-style: chr2-55528387-G-A.
Other names: c.4696C>T, p.Pro1566Ser (NM_001135597.2, NM_001254943.2); c.4615C>T, p.Pro1539Ser (NM_018084.5); c.4696C>T (NM_001135597.1); short protein forms P1566S, P1567S, P1539S.
Identifiers: ClinVar variation 1360850 (VCV001360850.6), dbSNP rs760399585, ClinGen allele CA1665509.
Genomic context (GRCh38, chr2:55,301,251, plus strand): 5'-GGTTCATTATCTTACCATGAACTCTTGATCCCGTACTAGAATCATCACTAACACCTTGTG[G>A]ACTTATGTCTTCAAAGGATGTAGTATCTACATAAAATAGCAAAATGGATATAAAGATATT-3'
Protein context (NP_001352409.1, residues 1557-1577): KDTTSFEDIS[Pro1567Ser]QGVSDDSSTG

ClinVar aggregate classification (germline): Uncertain significance. Review status: criteria provided, multiple submitters, no conflicts (2 of 4 stars). 2 submissions from 2 submitters: Uncertain significance (2). Last evaluated 2025-04-03.

Allele frequency attached by ClinVar (database versions not stated): TOPMed 0.00001; gnomAD exomes below 0.00001; ExAC 0.00001; gnomAD 0.00001.

Submissions (2):

Ambry Genetics
Classification: Uncertain significance. Last evaluated: 2025-04-03. Review status: criteria provided, single submitter. Criteria: Ambry Variant Classification Scheme 2023. Collection method: clinical testing. Allele origin: germline.

Labcorp Genetics (formerly Invitae), Labcorp
Classification: Uncertain significance. Last evaluated: 2022-07-19. Review status: criteria provided, single submitter. Criteria: Invitae Variant Classification Sherloc (09022015). Collection method: clinical testing. Allele origin: germline.
Comment: This sequence change replaces proline, which is neutral and non-polar, with serine, which is neutral and polar, at codon 1566 of the CCDC88A protein (p.Pro1566Ser). This variant is present in population databases (rs760399585, gnomAD 0.003%). This variant has not been reported in the literature in individuals affected with CCDC88A-related conditions. ClinVar contains an entry for this variant (Variation ID: 1360850). Algorithms developed to predict the effect of missense changes on protein structure and function are either unavailable or do not agree on the potential impact of this missense change (SIFT: "Deleterious"; PolyPhen-2: "Possibly Damaging"; Align-GVGD: "Class C0"). In summary, the available evidence is currently insufficient to determine the role of this variant in disease. Therefore, it has been classified as a Variant of Uncertain Significance.